The following is an entry in ClinVar:

NM_000059.4(BRCA2):c.2375A>T (p.Tyr792Phe)

Gene: BRCA2 (BRCA2 DNA repair associated; plus strand). Cytogenetic location: 13q13.1.
Variant type: single nucleotide variant.
Coding change: c.2375A>T on transcript NM_000059.4 (MANE Select); coding-DNA position 2375, A replaced by T.
Protein change: p.Tyr792Phe; replaces tyrosine 792 with phenylalanine.
Molecular consequence: missense variant.
Genome position (GRCh38, 1-based): chr13:32,336,730, A>T. VCF-style: chr13-32336730-A-T. GRCh37 (hg19) VCF-style: chr13-32910867-A-T.
Other names: c.2375A>T, p.Tyr792Phe (NM_001406719.1, NM_001406720.1); short protein forms Y792F.
Identifiers: ClinVar variation 1790346 (VCV001790346.4), dbSNP rs1566226599, ClinGen allele CA387771799.

ClinVar aggregate classification (germline): Conflicting classifications of pathogenicity. Review status: criteria provided, conflicting classifications (1 of 4 stars). 2 submissions from 2 submitters: Uncertain significance (1); Likely benign (1). Last evaluated 2023-03-23.

Conditions:
Hereditary cancer-predisposing syndrome. Also called: Hereditary Cancer Syndrome; Hereditary neoplastic syndrome; Tumor predisposition; Neoplastic Syndromes, Hereditary. Identifiers: Orphanet 140162, MedGen C0027672, MeSH D009386, MONDO:0015356.

Submissions (2):

University of Washington Department of Laboratory Medicine, University of Washington
Classification: Likely benign for Hereditary cancer-predisposing syndrome. Last evaluated: 2023-03-23. Review status: criteria provided, single submitter. Criteria: Dines et al. (Genet Med. 2020). Collection method: curation. Allele origin: germline.
Comment: Missense variant in a coldspot region where missense variants are very unlikely to be pathogenic (PMID:31911673).

BRCA2 exon 11 coldspot. Reclassification based on statistical prior probability.

Ambry Genetics
Classification: Uncertain significance for Hereditary cancer-predisposing syndrome. Last evaluated: 2021-05-26. Review status: criteria provided, single submitter. Criteria: Ambry Variant Classification Scheme 2023. Collection method: clinical testing. Allele origin: germline.
Comment: The p.Y792F variant (also known as c.2375A>T), located in coding exon 10 of the BRCA2 gene, results from an A to T substitution at nucleotide position 2375. The tyrosine at codon 792 is replaced by phenylalanine, an amino acid with highly similar properties. This amino acid position is not well conserved in available vertebrate species. In addition, this alteration is predicted to be tolerated by in silico analysis. Since supporting evidence is limited at this time, the clinical significance of this alteration remains unclear.